The following is an entry in ClinVar:

NM_000170.3(GLDC):c.1868A>T (p.Tyr623Phe)

Gene: GLDC (glycine decarboxylase; minus strand). Cytogenetic location: 9p24.1.
Variant type: single nucleotide variant.
Coding change: c.1868A>T on transcript NM_000170.3 (MANE Select); coding-DNA position 1868, A replaced by T.
Protein change: p.Tyr623Phe; replaces tyrosine 623 with phenylalanine.
Molecular consequence: missense variant.
Genome position (GRCh38, 1-based): chr9:6,565,412, T>A on the plus strand (A>T on the coding strand, the complement: GLDC is on the minus strand). VCF-style: chr9-6565412-T-A. GRCh37 (hg19) VCF-style: chr9-6565412-T-A.
Other names: short protein forms Y623F.
Identifiers: ClinVar variation 1373934 (VCV001373934.8), dbSNP rs2129758401, ClinGen allele CA372884592.

ClinVar aggregate classification (germline): Uncertain significance (1 of 4 stars; one submission).

Conditions:
Glycine encephalopathy. Also called: Nonketotic hyperglycinemia; Non-ketotic hyperglycinemia. Identifiers: Orphanet 407, MedGen C0751748, MONDO:0011612, HP:0008288.

Submission:

Labcorp Genetics (formerly Invitae), Labcorp
Classification: Uncertain significance for Glycine encephalopathy. Last evaluated: 2021-02-18. Review status: criteria provided, single submitter. Criteria: Invitae Variant Classification Sherloc (09022015). Collection method: clinical testing. Allele origin: germline.
Comment: In summary, the available evidence is currently insufficient to determine the role of this variant in disease. Therefore, it has been classified as a Variant of Uncertain Significance. This variant disrupts the p.Tyr623 amino acid residue in GLDC. Other variant(s) that disrupt this residue have been determined to be pathogenic (PMID: 27362913). This suggests that this residue is clinically significant, and that variants that disrupt this residue are likely to be disease-causing. Advanced modeling of protein sequence and biophysical properties (such as structural, functional, and spatial information, amino acid conservation, physicochemical variation, residue mobility, and thermodynamic stability) performed at Invitae indicates that this missense variant is not expected to disrupt GLDC protein function. This variant has not been reported in the literature in individuals with GLDC-related conditions. This variant is not present in population databases (ExAC no frequency). This sequence change replaces tyrosine with phenylalanine at codon 623 of the GLDC protein (p.Tyr623Phe). The tyrosine residue is highly conserved and there is a small physicochemical difference between tyrosine and phenylalanine.

Literature cited by the submitters: PubMed 27362913.